The following is an entry in ClinVar:

ClinVar aggregate classification (germline): Likely benign (1 of 4 stars; one submission).

Allele frequency attached by ClinVar (database versions not stated): ExAC 0.00092; ESP Exome Variant Server 0.00101; gnomAD 0.00105; 1000 Genomes Project 0.00040; 1000 Genomes Project 30x 0.00047; TOPMed 0.00086; gnomAD exomes 0.00109.

Submission:

CeGaT Center for Human Genetics Tuebingen
Classification: Likely benign. Last evaluated: 2022-11-01. Review status: criteria provided, single submitter. Criteria: CeGaT Center For Human Genetics Tuebingen Variant Classification Criteria Version 2. Collection method: clinical testing. Allele origin: germline. Affected: yes. Observed: 1 variant allele.
Comment: RP11-731F5.1: BS2

NC_000014.9:g.105601478G>A

Genes: IGH (immunoglobulin heavy locus; minus strand), IGHE (immunoglobulin heavy constant epsilon; minus strand). Cytogenetic location: 14q32.33.
Variant type: single nucleotide variant.
Genome position: GRCh38 VCF-style: chr14-105601478-G-A. GRCh37 (hg19) VCF-style: chr14-106067815-G-A.
Identifiers: ClinVar variation 2644925 (VCV002644925.23), dbSNP rs144154566, ClinGen allele CA7392274.